The following is an entry in ClinVar:

ClinVar aggregate classification (germline): Uncertain significance (1 of 4 stars; one submission).

Conditions:
Hereditary cancer-predisposing syndrome. Also called: Hereditary Cancer Syndrome; Hereditary neoplastic syndrome; Neoplastic Syndromes, Hereditary; Tumor predisposition. Identifiers: Orphanet 140162, MedGen C0027672, MeSH D009386, MONDO:0015356.

Submission:

Ambry Genetics
Classification: Uncertain significance for Hereditary cancer-predisposing syndrome. Last evaluated: 2025-06-24. Review status: criteria provided, single submitter. Criteria: Ambry Variant Classification Scheme 2023. Collection method: clinical testing. Allele origin: germline.
Comment: The p.P3089H variant (also known as c.9266C>A), located in coding exon 24 of the BRCA2 gene, results from a C to A substitution at nucleotide position 9266. The proline at codon 3089 is replaced by histidine, an amino acid with similar properties. This amino acid position is conserved. In addition, the in silico prediction for this alteration is inconclusive. Based on the available evidence, the clinical significance of this variant remains unclear.

NM_000059.4(BRCA2):c.9266C>A (p.Pro3089His)

Gene: BRCA2 (BRCA2 DNA repair associated; plus strand). Cytogenetic location: 13q13.1.
Variant type: single nucleotide variant.
Coding change: c.9266C>A on transcript NM_000059.4 (MANE Select); coding-DNA position 9266, C replaced by A.
Protein change: p.Pro3089His; replaces proline 3089 with histidine.
Molecular consequence: missense variant. On other transcripts: non-coding transcript variant (1).
Genome position (GRCh38, 1-based): chr13:32,394,698, C>A. VCF-style: chr13-32394698-C-A. GRCh37 (hg19) VCF-style: chr13-32968835-C-A.
Other names: c.9170C>A, p.Pro3057His (NM_001406719.1); c.9215C>A, p.Pro3072His (NM_001406720.1); c.4334C>A, p.Pro1445His (NM_001406721.1); c.2849C>A, p.Pro950His (NM_001406722.1); c.9266C>A, p.Pro3089His (NM_001432077.1); short protein forms P1445H, P3057H, P3089H, P3072H, P950H.
Identifiers: ClinVar variation 4215723 (VCV004215723.1).
Genomic context (GRCh38, chr13:32,394,698, plus strand): 5'-ATTCATCTAACACATCTATAATAACATTCTTTTCTTTTTTTTCCATTCTAGGACTTGCCC[C>A]TTTCGTCTATTTGTCAGACGAATGTTACAATTTACTGGCAATAAAGTTTTGGATAGACCT-3'
Protein context (NP_000050.3, residues 3079-3099): VSVVKKTGLA[Pro3089His]FVYLSDECYN